The following is an entry in ClinVar:

ClinVar aggregate classification (germline): Likely benign. Review status: criteria provided, multiple submitters, no conflicts (2 of 4 stars). 3 submissions from 3 submitters: Likely benign (2). 1 of the submissions does not count toward it. Last evaluated 2025-06-12.

Conditions:
ZNF423-related disorder. Also called: ZNF423-related condition.
Nephronophthisis 14 (NPHP14). Identifiers: Orphanet 2318, MedGen C3539071, MONDO:0013916, OMIM 614844.

Allele frequency attached by ClinVar (database versions not stated): gnomAD exomes 0.00001 and 0.00002; ExAC 0.00003; TOPMed 0.00004; gnomAD 0.00006; ESP Exome Variant Server 0.00008; 1000 Genomes Project 30x 0.00016; 1000 Genomes Project 0.00020.
gnomAD v4.1: 21 of 1,613,670 alleles (0.0013%); highest among the groups gnomAD compares: African/African-American, 0.016%; no homozygotes.

Submissions (3):

Labcorp Genetics (formerly Invitae), Labcorp
Classification: Likely benign for Nephronophthisis 14. Last evaluated: 2025-06-12. Review status: criteria provided, single submitter. Criteria: Invitae Variant Classification Sherloc (09022015). Collection method: clinical testing. Allele origin: germline.

CeGaT Center for Human Genetics Tuebingen
Classification: Likely benign. Last evaluated: 2022-11-01. Review status: criteria provided, single submitter. Criteria: CeGaT Center For Human Genetics Tuebingen Variant Classification Criteria Version 2. Collection method: clinical testing. Allele origin: germline. Affected: yes. Observed: 1 variant allele.
Comment: ZNF423: BP4, BP7

PreventionGenetics, part of Exact Sciences
Classification: Likely benign for ZNF423-related condition. Last evaluated: 2019-07-10. Review status: no assertion criteria provided. Collection method: clinical testing. Allele origin: germline. Not counted in ClinVar's aggregate classification.
Comment: This variant is classified as likely benign based on ACMG/AMP sequence variant interpretation guidelines (Richards et al. 2015 PMID: 25741868, with internal and published modifications).

NM_001379286.1(ZNF423):c.2211C>T (p.Phe737=)

Gene: ZNF423 (zinc finger protein 423; minus strand). Cytogenetic location: 16q12.1.
Variant type: single nucleotide variant.
Coding change: c.2211C>T on transcript NM_001379286.1 (MANE Select); coding-DNA position 2211, C replaced by T.
Protein change: p.Phe737=; no amino-acid change (phenylalanine 737 retained).
Molecular consequence: synonymous variant.
Genome position (GRCh38, 1-based): chr16:49,636,965, G>A on the plus strand (C>T on the coding strand, the complement: ZNF423 is on the minus strand). VCF-style: chr16-49636965-G-A. GRCh37 (hg19) VCF-style: chr16-49670876-G-A.
Other names: c.2007C>T, p.Phe669= (NM_001271620.2); c.1836C>T, p.Phe612= (NM_001330533.2); c.2187C>T, p.Phe729= (NM_015069.5); c.2187C>T (NM_015069.4).
Identifiers: ClinVar variation 1623638 (VCV001623638.34), dbSNP rs138278000, ClinGen allele CA8046548.